The following is an entry in ClinVar:

NM_001165963.4(SCN1A):c.4825T>A (p.Phe1609Ile)

Genes: SCN1A (sodium voltage-gated channel alpha subunit 1; minus strand), LOC102724058 (uncharacterized LOC102724058; plus strand). Cytogenetic location: 2q24.3.
Variant type: single nucleotide variant.
Coding change: c.4825T>A on transcript NM_001165963.4 (MANE Select); coding-DNA position 4825, T replaced by A.
Protein change: p.Phe1609Ile; replaces phenylalanine 1609 with isoleucine.
Molecular consequence: missense variant. On other transcripts: non-coding transcript variant (1).
Genome position (GRCh38, 1-based): chr2:165,994,173, A>T on the plus strand (T>A on the coding strand, the complement: SCN1A is on the minus strand). VCF-style: chr2-165994173-A-T. GRCh37 (hg19) VCF-style: chr2-166850683-A-T.
Other names: c.4792T>A, p.Phe1598Ile (NM_006920.6, NM_001353949.2, NM_001353950.2 and 2 more transcripts); c.4741T>A, p.Phe1581Ile (NM_001165964.3, NM_001353957.2, NM_001353958.2); c.4825T>A, p.Phe1609Ile (NM_001202435.3, NM_001353948.2); c.4789T>A, p.Phe1597Ile (NM_001353954.2, NM_001353955.2); c.4738T>A, p.Phe1580Ile (NM_001353960.2); c.2383T>A, p.Phe795Ile (NM_001353961.2); short protein forms F795I, F1598I, F1580I, F1581I, F1597I, F1609I.
Identifiers: ClinVar variation 3634006 (VCV003634006.2).

ClinVar aggregate classification (germline): Uncertain significance (1 of 4 stars; one submission).

Conditions:
Early-infantile DEE. Also called: Early infantile epileptic encephalopathy; Ohtahara syndrome; Early infantile epileptic encephalopathy with suppression bursts. Identifiers: Orphanet 1934, MedGen C0393706, MONDO:0800491.

Submission:

Labcorp Genetics (formerly Invitae), Labcorp
Classification: Uncertain significance for Early-infantile DEE. Last evaluated: 2024-07-31. Review status: criteria provided, single submitter. Criteria: Invitae Variant Classification Sherloc (09022015). Collection method: clinical testing. Allele origin: germline.
Comment: This sequence change replaces phenylalanine, which is neutral and non-polar, with isoleucine, which is neutral and non-polar, at codon 1609 of the SCN1A protein (p.Phe1609Ile). This variant is not present in population databases (gnomAD no frequency). This variant has not been reported in the literature in individuals affected with SCN1A-related conditions. Advanced modeling of protein sequence and biophysical properties (such as structural, functional, and spatial information, amino acid conservation, physicochemical variation, residue mobility, and thermodynamic stability) performed at Invitae indicates that this missense variant is expected to disrupt SCN1A protein function with a positive predictive value of 95%. In summary, the available evidence is currently insufficient to determine the role of this variant in disease. Therefore, it has been classified as a Variant of Uncertain Significance.